The following is an entry in ClinVar:

ClinVar aggregate classification (germline): Pathogenic. Review status: reviewed by expert panel (3 of 4 stars). 15 submissions from 15 submitters: Pathogenic (1). 14 of the submissions do not count toward it. Last evaluated 2016-09-08.

Conditions:
Hereditary cancer-predisposing syndrome. Also called: Hereditary Cancer Syndrome; Hereditary neoplastic syndrome; Neoplastic Syndromes, Hereditary; Tumor predisposition. Identifiers: Orphanet 140162, MedGen C0027672, MeSH D009386, MONDO:0015356.
Breast-ovarian cancer, familial, susceptibility to, 1 (BROVCA1). Also called: BRCA1 Hereditary Breast and Ovarian Cancer; OVARIAN CANCER, SUSCEPTIBILITY TO. Identifiers: Orphanet 145, MedGen C2676676, MONDO:0011450, OMIM 604370. Disease mechanism: loss of function.
Hereditary breast ovarian cancer syndrome. Also called: BRCA1- and BRCA2-Associated Hereditary Breast and Ovarian Cancer; Hereditary breast and ovarian cancer syndrome; Hereditary breast and ovarian cancer syndrome (HBOC); Breast and ovarian cancer; Hereditary breast and/or ovarian cancer syndrome; Hereditary breast and ovarian cancer. Identifiers: Orphanet 145, MedGen C0677776, MeSH D061325, MONDO:0003582. Disease mechanism: loss of function.
Malignant tumor of breast. Also called: Cancer breast; Malignant breast neoplasm. Identifiers: MedGen C0006142, MONDO:0007254. Disease mechanism: loss of function.

gnomAD v4.1: 1 of 1,614,106 alleles (0.000062%); no homozygotes.

Submissions 1 to 11 of 16:

Evidence-based Network for the Interpretation of Germline Mutant Alleles (ENIGMA)
Classification: Pathogenic for Breast-ovarian cancer, familial, susceptibility to, 1. Last evaluated: 2016-09-08. Review status: reviewed by expert panel. Criteria: ENIGMA BRCA1/2 Classification Criteria (2015). Collection method: curation. Allele origin: germline.
Comment: Variant allele predicted to encode a truncated non-functional protein.

Labcorp Genetics (formerly Invitae), Labcorp
Classification: Pathogenic for Hereditary breast ovarian cancer syndrome. Last evaluated: 2025-12-09. Review status: criteria provided, single submitter. Criteria: Invitae Variant Classification Sherloc (09022015). Collection method: clinical testing. Allele origin: germline. Not counted in ClinVar's aggregate classification.
Comment: This sequence change creates a premature translational stop signal (p.Gln1785*) in the BRCA1 gene. It is expected to result in an absent or disrupted protein product. Loss-of-function variants in BRCA1 are known to be pathogenic (PMID: 20104584). This variant is not present in population databases (gnomAD no frequency). This premature translational stop signal has been observed in individual(s) with hereditary breast and/or ovarian cancer (PMID: 16683254, 17925560, 27157322). This variant is also known as 5472C>T. ClinVar contains an entry for this variant (Variation ID: 55546). For these reasons, this variant has been classified as Pathogenic.

Quest Diagnostics Nichols Institute San Juan Capistrano
Classification: Pathogenic. Last evaluated: 2024-11-20. Review status: criteria provided, single submitter. Criteria: Quest Diagnostics criteria. Collection method: clinical testing. Allele origin: unknown. Not counted in ClinVar's aggregate classification.
Comment: The BRCA1 c.5353C>T (p.Gln1785*) variant causes the premature termination of BRCA1 protein synthesis. This variant has been reported in the published literature in individuals with breast cancer (PMID: 29681614 (2018), 30093976 (2018)) and ovarian cancer (PMID: 17925560 (2007), 28888541 (2017), 30128899 (2018)). This variant has not been reported in large, multi-ethnic general populations (Genome Aggregation Database). Based on the available information, this variant is classified as pathogenic.

GeneDx
Classification: Pathogenic. Last evaluated: 2024-01-30. Review status: criteria provided, single submitter. Criteria: GeneDx Variant Classification Process June 2021. Collection method: clinical testing. Allele origin: germline. Affected: yes. Not counted in ClinVar's aggregate classification.
Comment: Nonsense variant predicted to result in protein truncation or nonsense mediated decay in a gene for which loss of function is a known mechanism of disease; Truncating variants in this gene are considered pathogenic by a well-established clinical consortium and/or database; Not observed at significant frequency in large population cohorts (gnomAD); Also known as 5472C>T; This variant is associated with the following publications: (PMID: 16683254, 30128899, 34413315, 32438681, 17925560, 26187060, 29681614, 27157322, 30702160, 30093976, 31825140, 29446198, 30720243, 30875412, 30787465, 30209399, 35837282, 28888541)

Ambry Genetics
Classification: Pathogenic for Hereditary cancer-predisposing syndrome. Last evaluated: 2023-06-30. Review status: criteria provided, single submitter. Criteria: Ambry Variant Classification Scheme 2023. Collection method: clinical testing. Allele origin: germline. Not counted in ClinVar's aggregate classification.
Comment: The p.Q1785* pathogenic mutation (also known as c.5353C>T), located in coding exon 20 of the BRCA1 gene, results from a C to T substitution at nucleotide position 5353. This changes the amino acid from a glutamine to a stop codon within coding exon 20. This mutation has been identified in multiple hereditary breast and ovarian cancer (HBOC) families (van der Hout AH et al. Hum. Mutat. 2006 Jul;27(7):654-66; Vogel KJ et al. J. Clin. Oncol. 2007 Oct;25:4635-41; Kwong A et al. J Mol Diagn, 2016 07;18:580-94; Lilyquist J et al. Gynecol. Oncol., 2017 11;147:375-380; Chan GHJ et al. Oncotarget, 2018 Jul;9:30649-30660; Liang Y et al. Med. Sci. Monit., 2018 Apr;24:2465-2475; Rebbeck TR et al. Hum. Mutat., 2018 05;39:593-620; Bhaskaran SP et al. Int. J. Cancer, 2019 08;145:962-973) and one functional study found that this nucleotide substitution is deleterious in a high throughput genome editing haploid cell survival assay (Findlay GM et al. Nature, 2018 10;562:217-222). This variant is considered to be rare based on population cohorts in the Genome Aggregation Database (gnomAD). In addition to the clinical data presented in the literature, this alteration is expected to result in loss of function by premature protein truncation or nonsense-mediated mRNA decay. As such, this alteration is interpreted as a disease-causing mutation.

Baylor Genetics
Classification: Pathogenic for Breast-ovarian cancer, familial, susceptibility to, 1. Last evaluated: 2022-06-26. Review status: criteria provided, single submitter. Criteria: ACMG Guidelines, 2015. Collection method: clinical testing. Allele origin: unknown. Not counted in ClinVar's aggregate classification.

Mayo Clinic Laboratories, Mayo Clinic
Classification: Pathogenic. Last evaluated: 2022-02-24. Review status: criteria provided, single submitter. Criteria: ACMG Guidelines, 2015. Collection method: clinical testing. Allele origin: germline. Observed: 1 variant allele. Not counted in ClinVar's aggregate classification.
Comment: PM2, PS3_supporting, PS4_supporting, PVS1

Color Diagnostics, LLC DBA Color Health
Classification: Pathogenic for Hereditary cancer-predisposing syndrome. Last evaluated: 2021-04-12. Review status: criteria provided, single submitter. Criteria: ACMG Guidelines, 2015. Collection method: clinical testing. Allele origin: germline. Not counted in ClinVar's aggregate classification.
Comment: This variant changes 1 nucleotide in exon 21 of the BRCA1 gene, creating a premature translation stop signal. This variant is expected to result in an absent or non-functional protein product. This variant has been reported in individuals affected with hereditary breast and/or ovarian cancer (PMID: 16683254, 17925560, 26187060, 29681614, 30128899, 30702160, 30875412). This variant has not been identified in the general population by the Genome Aggregation Database (gnomAD). Loss of BRCA1 function is a known mechanism of disease. Based on the available evidence, this variant is classified as Pathogenic.

Women's Health and Genetics/Laboratory Corporation of America, LabCorp
Classification: Pathogenic for Hereditary breast and ovarian cancer syndrome. Last evaluated: 2020-03-02. Review status: criteria provided, single submitter. Criteria: LabCorp Variant Classification Summary - May 2015. Collection method: clinical testing. Allele origin: germline. Not counted in ClinVar's aggregate classification.
Comment: Variant summary: BRCA1 c.5353C>T (p.Gln1785X) results in a premature termination codon, predicted to cause a truncation of the encoded protein or absence of the protein due to nonsense mediated decay, which are commonly known mechanisms for disease. Truncations downstream of this position have been classified as pathogenic by our laboratory. The variant was absent in 251446 control chromosomes (gnomAD). c.5353C>T has been reported in the literature in multiple individuals affected with Hereditary Breast and Ovarian Cancer (e.g. Marchetti_2018, Rebbeck_2018, van der Hout_2006). These data indicate that the variant is very likely to be associated with disease. Eight ClinVar submitters including an expert panel (ENIGMA) (evaluation after 2014) cite the variant as pathogenic. Based on the evidence outlined above, the variant was classified as pathogenic.

Consortium of Investigators of Modifiers of BRCA1/2 (CIMBA), c/o University of Cambridge
Classification: Pathogenic for Breast-ovarian cancer, familial, susceptibility to, 1. Last evaluated: 2015-10-02. Review status: criteria provided, single submitter. Criteria: CIMBA Mutation Classification guidelines May 2016. Collection method: clinical testing. Allele origin: germline. Not counted in ClinVar's aggregate classification.

Clinical Genetics DNA and cytogenetics Diagnostics Lab, Erasmus MC, Erasmus Medical Center
Classification: Pathogenic for Breast-ovarian cancer, familial, susceptibility to, 1. Last evaluated: 2015-09-21. Review status: criteria provided, single submitter. Criteria: ACGS Guidelines, 2013. Collection method: clinical testing. Allele origin: germline. Affected: yes. Study: VKGL Data-share Consensus. Not counted in ClinVar's aggregate classification.

NM_007294.4(BRCA1):c.5353C>T (p.Gln1785Ter)

Gene: BRCA1 (BRCA1 DNA repair associated; minus strand). Cytogenetic location: 17q21.31.
Variant type: single nucleotide variant.
Coding change: c.5353C>T on transcript NM_007294.4 (MANE Select); coding-DNA position 5353, C replaced by T.
Protein change: p.Gln1785Ter; replaces glutamine 1785 with a stop codon.
Molecular consequence: nonsense. On other transcripts: non-coding transcript variant (1), intron variant (1).
Genome position (GRCh38, 1-based): chr17:43,049,174, G>A on the plus strand (C>T on the coding strand, the complement: BRCA1 is on the minus strand). VCF-style: chr17-43049174-G-A. GRCh37 (hg19) VCF-style: chr17-41201191-G-A.
Other names: 5472C>T; c.5224C>T, p.Gln1742Ter (NM_001407688.1, NM_001407689.1, NM_001407681.1 and 5 more transcripts); c.5221C>T, p.Gln1741Ter (NM_001407690.1, NM_001407691.1); c.5212C>T, p.Gln1738Ter (NM_001407692.1, NM_001407694.1, NM_001407695.1 and 12 more transcripts); c.2038C>T, p.Gln680Ter (NM_001408402.1, NM_001408403.1, NM_001408404.1 and 7 more transcripts); c.2035C>T, p.Gln679Ter (NM_001408406.1, NM_001408407.1, NM_001408408.1); c.2032C>T, p.Gln678Ter (NM_001408409.1); c.1969C>T, p.Gln657Ter (NM_001408410.1); and 74 more; short protein forms Q1785*, Q681*, Q1738*, Q1806*, Q1488*, Q1616*, Q1672*, Q1674*.
Identifiers: ClinVar variation 55546 (VCV000055546.31), dbSNP rs80356969, ClinGen allele CA003519.
Genomic context (GRCh38, chr17:43,049,174, plus strand): 5'-TACTTACTGTGCCAAGGGTGAATGATGAAAGCTCCTTCACCACAGAAGCACCACACAGCT[G>A]TACCATCCATTCCAGTTGATCTAAAATGGACATTTAGATGTAAAATCACTGCAGTAATCT-3'